The following is an entry in ClinVar:

ClinVar aggregate classification (germline): Likely pathogenic (1 of 4 stars; one submission).

Conditions:
Primary dilated cardiomyopathy (DCM). Also called: Dilated Cardiomyopathy. Identifiers: Orphanet 217604, MedGen C0007193, MeSH D002311, MONDO:0005021, HP:0001644. Inheritance: Various modes of inheritance.

Submission:

Laboratory for Molecular Medicine, Mass General Brigham Personalized Medicine
Classification: Likely pathogenic for Primary dilated cardiomyopathy. Last evaluated: 2013-03-27. Review status: criteria provided, single submitter. Criteria: LMM Criteria. Collection method: clinical testing. Allele origin: germline. Observed: 1 variant allele.
Comment: The Gln539X variant has not been reported in the literature nor previously ident ified by our laboratory. This variant has also not been identified in large and broad European American and African American populations by the NHLBI Exome Seq uencing Project, which increases the likeliho od that it is pathogenic. However, we cannot exclude that it may be common in ot her populations. This nonsense variant leads to a premature termination codon a t position 539 which is predicted to lead to a truncated or absent protein. Fra meshift and nonsense variants in DSP have been reported in patients with ARVC, but recent evidence supports that they can also cause DCM (Elliott 2010, Garcia-Pavia 2011). In summary, this variant is likely to b e pathogenic, though additional studies are required to fully establish its clin ical significance.

NM_004415.4(DSP):c.1615C>T (p.Gln539Ter)

Gene: DSP (desmoplakin; plus strand). Cytogenetic location: 6p24.3.
Variant type: single nucleotide variant.
Coding change: c.1615C>T on transcript NM_004415.4 (MANE Select); coding-DNA position 1615, C replaced by T.
Protein change: p.Gln539Ter; replaces glutamine 539 with a stop codon.
Molecular consequence: nonsense.
Genome position (GRCh38, 1-based): chr6:7,570,477, C>T. VCF-style: chr6-7570477-C-T. GRCh37 (hg19) VCF-style: chr6-7570710-C-T.
Other names: c.1615C>T, p.Gln539Ter (NM_001008844.3, NM_001319034.2); short protein forms Q539*.
Identifiers: ClinVar variation 178862 (VCV000178862.4), dbSNP rs727504498, ClinGen allele CA005052.